The following is an entry in ClinVar:

NM_002087.4(GRN):c.708+6_708+9del

Genes: GRN (granulin precursor; plus strand), LOC125177489 (Sharpr-MPRA regulatory region 15390; plus strand). Cytogenetic location: 17q21.31.
Variant type: Microsatellite.
Coding change: c.708+6_708+9del on transcript NM_002087.4 (MANE Select); bases 6 to 9 of the intron after coding-DNA position 708, 4 bases deleted (TGAG; older notation c.708+6_708+9delTGAG).
Molecular consequence: splice donor variant.
Genome position (GRCh38, 1-based): chr17:44,350,806-44,350,809, TGAG deleted; deleting any 4 consecutive bases within chr17:44,350,801-44,350,809 gives the same sequence; the c. name uses the placement nearest the transcript's 3' end. VCF-style (leftmost placement, unchanged base first): chr17-44350800-CGTGA-C. GRCh37 (hg19) VCF-style: chr17-42428168-CGTGA-C.
Other names: p.?; c.708+6_708+9del (NM_002087.3); c.708+6_708+9delTGAG (NM_002087.3, NM_002087.2, NM_002087.4).
Identifiers: ClinVar variation 586221 (VCV000586221.57), dbSNP rs778599933, ClinGen allele CA290925944.

ClinVar aggregate classification (germline): Pathogenic/Likely pathogenic. Review status: criteria provided, multiple submitters, no conflicts (2 of 4 stars). 8 submissions from 8 submitters: Pathogenic (3); Likely pathogenic (5). Last evaluated 2026-05-04.

Conditions:
GRN-related disorder. Also called: GRN-related disorders; GRN-related condition.
GRN-related frontotemporal lobar degeneration with Tdp43 inclusions (FTD2). Also called: DEMENTIA, HEREDITARY DYSPHASIC DISINHIBITION; FRONTOTEMPORAL LOBAR DEGENERATION WITH UBIQUITIN-POSITIVE INCLUSIONS; FTLD-TDP, GRN-RELATED; GRN Frontotemporal Dementia; FRONTOTEMPORAL DEMENTIA WITH TDP43 INCLUSIONS, GRN-RELATED. Identifiers: Orphanet 100070, Orphanet 282, MedGen C1843792, MONDO:0011842, OMIM 607485. Disease mechanism: loss of function.
Neuronal ceroid lipofuscinosis 11. Also called: GRN-Related Neuronal Ceroid-Lipofuscinosis. Identifiers: Orphanet 314629, Orphanet 79262, MedGen C3539123, MONDO:0013866, OMIM 614706.
Inborn genetic diseases. Identifiers: MedGen C0950123, MeSH D030342.

Submissions (8):

PreventionGenetics, part of Exact Sciences
Classification: Pathogenic for GRN-related condition. Last evaluated: 2026-05-04. Review status: criteria provided, single submitter. Criteria: ACMG Guidelines, 2015. Collection method: clinical testing. Allele origin: germline.
Comment: The GRN c.708+6_708+9delTGAG variant is predicted to result in an intronic deletion. This variant, also referred to as IVS6+5_8delGTGA or g.1642_1645delTGAG (IVS7 + 1delTGAG), has been reported in multiple individuals with frontotemporal lobar degeneration (FTLD) and has been found to segregate with disease in unrelated families (Skoglund et al. 2011. PubMed ID: 20975516; Bit-Ivan et al. 2014. PubMed ID: 24709683; Galimberti et al. 2016. PubMed ID: 27859661; Guven et al. 2019. PubMed ID: 30475763). In vitro analysis has demonstrated that this variant results in aberrant splicing and reduced progranulin mRNA levels compared to wildtype (Skoglund et al. 2011. PubMed ID: 20975516; Bit-Ivan et al. 2014. PubMed ID: 24709683). This variant is reported in 0.0018% of alleles in individuals of European (non-Finnish) descent in gnomAD, and is consistently classified as pathogenic/likely pathogenic by multiple laboratories submitting to the ClinVar database (Variation ID: 586221). This variant is interpreted as pathogenic.

GeneDx
Classification: Likely pathogenic. Last evaluated: 2026-02-18. Review status: criteria provided, single submitter. Criteria: GeneDx Variant Classification Process June 2021. Collection method: clinical testing. Allele origin: germline.
Comment: Reported previously in a patient with Alzheimer's disease; however, no further clinical information was provided (PMID: 27632209); Published functional studies demonstrate that the variant causes aberrant RNA splicing and reduction in PGRN mRNA, most likely through NMD of the mutant mRNA (PMID: 20975516); Not observed at significant frequency in large population cohorts (gnomAD); This variant is associated with the following publications: (PMID: 31914217, 20975516, 30475763, 30739198, 27859661, 24709683, 29256051, 32742620, 36264717, 33141172, Khani2024[Preprint], 27632209)

Labcorp Genetics (formerly Invitae), Labcorp
Classification: Pathogenic for Neuronal ceroid lipofuscinosis 11; GRN-related frontotemporal lobar degeneration with Tdp43 inclusions. Last evaluated: 2025-08-12. Review status: criteria provided, single submitter. Criteria: Invitae Variant Classification Sherloc (09022015). Collection method: clinical testing. Allele origin: germline.
Comment: This sequence change falls in intron 7 of the GRN gene. It does not directly change the encoded amino acid sequence of the GRN protein. RNA analysis indicates that this variant induces altered splicing and may result in an absent or altered protein product. This variant is present in population databases (rs778599933, gnomAD 0.002%). This variant has been observed in individuals with autosomal dominant frontotemporal lobar degeneration (PMID: 20975516, 24709683, 27632209, 27859661). This variant is also known as IVS6+5_8delGTGA (g.101707_101710delGTGA) and g.1642_1645delTGAG (IVS7 + 1delTGAG). Variants that disrupt the consensus splice site are a relatively common cause of aberrant splicing (PMID: 17576681, 9536098). Studies have shown that this variant results in skipping of exon 7, and produces a non-functional protein and/or introduces a premature termination codon (PMID: 20975516). For these reasons, this variant has been classified as Pathogenic.

Mayo Clinic Laboratories, Mayo Clinic
Classification: Likely pathogenic. Last evaluated: 2025-07-01. Review status: criteria provided, single submitter. Criteria: ACMG Guidelines, 2015. Collection method: clinical testing. Allele origin: germline. Observed: 1 variant allele.
Comment: PP1, PP4, PS4_moderate, PVS1_strong

Molecular Genetics, Royal Melbourne Hospital
Classification: Pathogenic for GRN-related frontotemporal lobar degeneration with Tdp43 inclusions. Last evaluated: 2024-03-01. Review status: criteria provided, single submitter. Criteria: ACMG Guidelines, 2015. Collection method: clinical testing. Allele origin: germline. Inheritance: Autosomal dominant inheritance. Affected: yes.
Comment: This sequence change in GRN is an intronic variant located in intron 7. The highest population minor allele frequency in the population database gnomAD v4.0 is 0.004% (40/1,104,774 alleles) in the European (non-Finnish) population. The prevalence of the variant in individuals with frontotemporal dementia (FTD) is significantly increased compared with the prevalence in controls (PMID: 20975516, 24709683, 27632209, 27859661, 30475763, 31914217, 36264717, 33141172; gnomAD v4.0). The variant has been reported to segregate with FTD in multiple families (PMID: 27859661, 24709683, 30475763). The results from an in silico splicing predictor (SpliceAI) indicate that this variant may impact splicing by disrupting the donor splice site of intron 7 of GRN. This prediction is confirmed by RNA studies in patient cells (PMID: 20975516). Furthermore, progranulin levels in the serum/brain were significantly reduced in individuals with the variant (PMID: 20975516, 24709683, 27859661, 30475763). Based on the classification scheme RMH Modified ACMG/AMP Guidelines v1.6.1, this variant is classified as PATHOGENIC. Following criteria are met: PP1_Strong, PS4, PVS1.

Ambry Genetics
Classification: Likely pathogenic for Inborn genetic diseases. Last evaluated: 2018-09-24. Review status: criteria provided, single submitter. Criteria: Ambry Variant Classification Scheme 2023. Collection method: clinical testing. Allele origin: germline.
Comment: The c.708+6_708+9delTGAG intronic variant, located in intron 6 of the GRN gene, results from a deletion of 4 nucleotides within intron 6 of the GRN gene. This variant was detected in two individuals with frontotemporal lobular degeneration (FTLD) with ubiquitin positive inclusions; analysis in one individual demonstrated a reduction in mRNA levels (83% of wild type) and aberrant splicing (Skoglund L et al. Alzheimer Dis Assoc Disord;25:173-8). In a second study, mRNA levels were 56% and 73%, respectively, in two individuals with FTLD with TAR DNAbinding protein 43-positive inclusions (Bit-Ivan EN et al. J. Neuropathol. Exp. Neurol., 2014 May;73:467-73). In one family, this variant segregated with dementia in 3 affected individuals (Galimberti D et al. Mov. Disord., 2017 03;32:476-478). These nucleotide positions are well conserved in available vertebrate species. Using the BDGP and ESEfinder splice site prediction tools, this alteration is predicted to weaken the efficiency of the native splice donor site; however, direct evidence is unavailable. Based on the majority of available evidence to date, this variant is likely to be pathogenic.

Athena Diagnostics
Classification: Likely pathogenic. Last evaluated: 2018-06-08. Review status: criteria provided, single submitter. Criteria: Athena Diagnostics Criteria. Collection method: clinical testing. Allele origin: germline.

CeGaT Center for Human Genetics Tuebingen
Classification: Likely pathogenic. Last evaluated: 2017-11-01. Review status: criteria provided, single submitter. Criteria: CeGaT Center For Human Genetics Tuebingen Variant Classification Criteria Version 2. Collection method: clinical testing. Allele origin: germline. Affected: yes. Observed: 1 variant allele.

Literature cited by the submitters: PubMed 20975516 (cited by 5 submitters); PubMed 24709683 (cited by 5 submitters); PubMed 27632209 (cited by 4 submitters); PubMed 27859661 (cited by 5 submitters); PubMed 17576681 (cited by Labcorp Genetics (formerly Invitae), Labcorp); PubMed 9536098 (cited by Labcorp Genetics (formerly Invitae), Labcorp); PubMed 30475763 (cited by Mayo Clinic Laboratories, Mayo Clinic and Molecular Genetics, Royal Melbourne Hospital); PubMed 31914217 (cited by Mayo Clinic Laboratories, Mayo Clinic and Molecular Genetics, Royal Melbourne Hospital); PubMed 33141172 (cited by Molecular Genetics, Royal Melbourne Hospital); PubMed 36264717 (cited by Molecular Genetics, Royal Melbourne Hospital).